The following is an entry in ClinVar:

NM_000548.5(TSC2):c.1069G>A (p.Ala357Thr)

Gene: TSC2 (TSC complex subunit 2; plus strand). Cytogenetic location: 16p13.3.
Variant type: single nucleotide variant.
Coding change: c.1069G>A on transcript NM_000548.5 (MANE Select); coding-DNA position 1069, G replaced by A.
Protein change: p.Ala357Thr; replaces alanine 357 with threonine.
Molecular consequence: missense variant.
Genome position (GRCh38, 1-based): chr16:2,060,763, G>A. VCF-style: chr16-2060763-G-A. GRCh37 (hg19) VCF-style: chr16-2110764-G-A.
Other names: c.1069G>A, p.Ala357Thr (NM_001077183.3, NM_001114382.3, NM_001363528.2 and 6 more transcripts); c.958G>A, p.Ala320Thr (NM_001318827.2, NM_001406678.1, NM_001406670.1); c.922G>A, p.Ala308Thr (NM_001318829.2, NM_001406679.1, NM_001406675.1 and 1 more transcripts); c.469G>A, p.Ala157Thr (NM_001318831.2, NM_001406680.1, NM_001406682.1 and 6 more transcripts); c.1102G>A, p.Ala368Thr (NM_001318832.2); c.607G>A, p.Ala203Thr (NM_001406681.1); c.1159G>A, p.Ala387Thr (NM_001406667.1, NM_001406668.1); c.1057G>A, p.Ala353Thr (NM_001406671.1, NM_001406673.1); and 4 more; short protein forms A157T, A320T, A368T, A308T, A353T, A387T, A203T, A338T.
Identifiers: ClinVar variation 2134181 (VCV002134181.4), dbSNP rs2151137517, ClinGen allele CA394317963.

ClinVar aggregate classification (germline): Uncertain significance (1 of 4 stars; one submission).

Conditions:
Tuberous sclerosis 2 (TSC2). Identifiers: Orphanet 805, MedGen C1860707, MONDO:0013199, OMIM 613254.

Submission:

Labcorp Genetics (formerly Invitae), Labcorp
Classification: Uncertain significance for Tuberous sclerosis 2. Last evaluated: 2023-03-27. Review status: criteria provided, single submitter. Criteria: Invitae Variant Classification Sherloc (09022015). Collection method: clinical testing. Allele origin: germline.
Comment: In summary, the available evidence is currently insufficient to determine the role of this variant in disease. Therefore, it has been classified as a Variant of Uncertain Significance. Advanced modeling of protein sequence and biophysical properties (such as structural, functional, and spatial information, amino acid conservation, physicochemical variation, residue mobility, and thermodynamic stability) performed at Invitae indicates that this missense variant is not expected to disrupt TSC2 protein function. ClinVar contains an entry for this variant (Variation ID: 2134181). This variant has not been reported in the literature in individuals affected with TSC2-related conditions. This variant is not present in population databases (gnomAD no frequency). This sequence change replaces alanine, which is neutral and non-polar, with threonine, which is neutral and polar, at codon 357 of the TSC2 protein (p.Ala357Thr).